The following is an entry in ClinVar:

NM_001999.4(FBN2):c.5548+9A>C

Gene: FBN2 (fibrillin 2; minus strand). Cytogenetic location: 5q23.3.
Variant type: single nucleotide variant.
Coding change: c.5548+9A>C on transcript NM_001999.4 (MANE Select); 9 bases into the intron after coding-DNA position 5548, A replaced by C.
Molecular consequence: intron variant.
Genome position (GRCh38, 1-based): chr5:128,305,814, T>G on the plus strand (A>C on the coding strand, the complement: FBN2 is on the minus strand). VCF-style: chr5-128305814-T-G. GRCh37 (hg19) VCF-style: chr5-127641506-T-G.
Identifiers: ClinVar variation 385097 (VCV000385097.1), dbSNP rs1057522115, ClinGen allele CA16604834.

ClinVar aggregate classification (germline): Likely benign (1 of 4 stars; one submission).

Submission:

GeneDx
Classification: Likely benign. Last evaluated: 2016-03-23. Review status: criteria provided, single submitter. Criteria: GeneDx Variant Classification (06012015). Collection method: clinical testing. Allele origin: germline. Affected: yes.
Comment: This variant is considered likely benign or benign based on one or more of the following criteria: it is a conservative change, it occurs at a poorly conserved position in the protein, it is predicted to be benign by multiple in silico algorithms, and/or has population frequency not consistent with disease.